The following is an entry in ClinVar:

ClinVar aggregate classification (germline): Pathogenic (1 of 4 stars; one submission).

Conditions:
Multiple congenital anomalies-hypotonia-seizures syndrome 1 (MCAHS1). Also called: GLYCOSYLPHOSPHATIDYLINOSITOL BIOSYNTHESIS DEFECT 3; PIGN-CDG; Congenital disorder of glycosylation due to PIGN deficiency. Identifiers: Orphanet 280633, MedGen C3279775, MONDO:0013563, OMIM 614080.

Submission:

Labcorp Genetics (formerly Invitae), Labcorp
Classification: Pathogenic for Multiple congenital anomalies-hypotonia-seizures syndrome 1. Last evaluated: 2022-03-20. Review status: criteria provided, single submitter. Criteria: Invitae Variant Classification Sherloc (09022015). Collection method: clinical testing. Allele origin: germline.
Comment: For these reasons, this variant has been classified as Pathogenic. This variant has not been reported in the literature in individuals affected with PIGN-related conditions. This variant is not present in population databases (gnomAD no frequency). This sequence change creates a premature translational stop signal (p.Leu9Cysfs*24) in the PIGN gene. It is expected to result in an absent or disrupted protein product. Loss-of-function variants in PIGN are known to be pathogenic (PMID: 24253414, 27038415).

Literature cited by the submitters: PubMed 24253414; PubMed 27038415.

NM_176787.5(PIGN):c.24del (p.Leu9fs)

Gene: PIGN (phosphatidylinositol glycan anchor biosynthesis class N; minus strand). Cytogenetic location: 18q21.33.
Variant type: Deletion.
Coding change: c.24del on transcript NM_176787.5 (MANE Select); coding-DNA position 24, one base deleted (A; older notation c.24delA).
Protein change: p.Leu9fs; shifts the reading frame from leucine 9.
Molecular consequence: frameshift variant.
Genome position (GRCh38, 1-based): chr18:62,161,330, T deleted on the plus strand (A on the coding strand, the reverse complement: PIGN is on the minus strand). VCF-style (leftmost placement, unchanged base first): chr18-62161329-AT-A. GRCh37 (hg19) VCF-style: chr18-59828562-AT-A.
Other names: c.24del, p.Leu9fs (NM_012327.6); short protein forms L9fs.
Identifiers: ClinVar variation 2095415 (VCV002095415.4), dbSNP rs2514390201, ClinGen allele CA2580095983.
Genomic context (GRCh38, chr18:62,161,329, plus strand): 5'-CCAAAGGAGATGTAAAATAAATGTCAAAGATGGAGGCGAAGAACACAAAATGTATAAGCA[AT>A]CCCAAAGTAAAGAACAGCAGCATATCCAGTGTAACTAATTAGTCTTCAAGAACAGCTGAA-3'